The following is an entry in ClinVar:

ClinVar aggregate classification (germline): Conflicting classifications of pathogenicity. Review status: criteria provided, conflicting classifications (1 of 4 stars). 13 submissions from 11 submitters: Uncertain significance (6); Benign (1); Likely benign (6). Last evaluated 2026-01-18.

Conditions:
Visceral myopathy 2. Identifiers: MedGen C5543466, MONDO:0859157, OMIM 619350.
Megacystis-microcolon-intestinal hypoperistalsis syndrome 2. Identifiers: MedGen C5543476, MONDO:0025708, OMIM 619351.
Aortic aneurysm, familial thoracic 4 (AAT4). Also called: AORTIC ANEURYSM/AORTIC DISSECTION AND PATENT DUCTUS ARTERIOSUS. Identifiers: MedGen C1851504, MONDO:0007568, OMIM 132900.
Lissencephaly 4 (LIS4). Also called: Lissencephaly 4 (with microcephaly). Identifiers: Orphanet 1083, MedGen C3151461, MONDO:0013527, OMIM 614019.
Familial thoracic aortic aneurysm and aortic dissection (TAAD). Also called: Thoracic aortic aneurysms and dissections. Identifiers: Orphanet 91387, MedGen C4707243, MONDO:0019625.

Allele frequency attached by ClinVar (database versions not stated): gnomAD 0.00006; 1000 Genomes Project 30x 0.00016; TOPMed 0.00002.
gnomAD v4.1: 59 of 1,614,046 alleles (0.0037%); highest among the groups gnomAD compares: Middle Eastern, 0.016%; no homozygotes.

Submissions (13):

Labcorp Genetics (formerly Invitae), Labcorp
Classification: Likely benign for Aortic aneurysm, familial thoracic 4. Last evaluated: 2026-01-18. Review status: criteria provided, single submitter. Criteria: Invitae Variant Classification Sherloc (09022015). Collection method: clinical testing. Allele origin: germline.

All of Us Research Program, National Institutes of Health
Classification: Likely benign for Familial thoracic aortic aneurysm and aortic dissection. Last evaluated: 2024-07-10. Review status: criteria provided, single submitter. Criteria: ACMG Guidelines, 2015. Collection method: clinical testing. Allele origin: germline. Inheritance: Autosomal dominant inheritance. Observed: 7 variant alleles, 7 heterozygotes.
Comment: This study involves interpretation of variants in research participants for the purpose of population health screening. Participant phenotype was not available at the time of variant classification. Additional details can be found in publication PMID: 35346344, PMCID: PMC8962531

Blueprint Genetics
Classification: Likely benign. Last evaluated: 2024-01-04. Review status: criteria provided, single submitter. Criteria: ACMG Guidelines, 2015. Collection method: clinical testing. Allele origin: germline.

Ambry Genetics
Classification: Likely benign for Familial thoracic aortic aneurysm and aortic dissection. Last evaluated: 2019-07-18. Review status: criteria provided, single submitter. Criteria: Ambry Variant Classification Scheme 2023. Collection method: clinical testing. Allele origin: germline.

Women's Health and Genetics/Laboratory Corporation of America, LabCorp
Classification: Benign. Last evaluated: 2019-07-12. Review status: criteria provided, single submitter. Criteria: LabCorp Variant Classification Summary - May 2015. Collection method: clinical testing. Allele origin: germline.

Color Diagnostics, LLC DBA Color Health
Classification: Likely benign for Familial thoracic aortic aneurysm and aortic dissection. Last evaluated: 2018-11-25. Review status: criteria provided, single submitter. Criteria: ACMG Guidelines, 2015. Collection method: clinical testing. Allele origin: germline.

Center for Genomics, Ann and Robert H. Lurie Children's Hospital of Chicago
Classification: Uncertain significance for Aortic aneurysm, familial thoracic 4. Last evaluated: 2018-03-27. Review status: criteria provided, single submitter. Criteria: ACMG Guidelines, 2015. Collection method: clinical testing. Allele origin: germline.
Comment: MYH11 NM_002474.2 exon 29 p.Ala1299= (c.3897C>T): This variant has not been reported in the literature but is present in 6/34412 Latino alleles in the Genome Aggregation Database. Evolutionary conservation and computational predictive tools for this variant are limited or unavailable. Of note, this variant is a silent variant and does not change the amino acid, reducing the probability that this variant is disease causing. In summary, data on this variant is insufficient for disease classification. Therefore, the clinical significance of this variant is uncertain.

Illumina Laboratory Services, Illumina
Classification: Uncertain significance for Aortic aneurysm, familial thoracic 4. Last evaluated: 2018-01-12. Review status: criteria provided, single submitter. Criteria: ICSL Variant Classification Criteria 13 December 2019. Collection method: clinical testing. Allele origin: germline.

Illumina Laboratory Services, Illumina
Classification: Uncertain significance for Lissencephaly 4. Last evaluated: 2018-01-12. Review status: criteria provided, single submitter. Criteria: ICSL Variant Classification Criteria 13 December 2019. Collection method: clinical testing. Allele origin: germline.

CeGaT Center for Human Genetics Tuebingen
Classification: Uncertain significance. Last evaluated: 2016-06-01. Review status: criteria provided, single submitter. Criteria: CeGaT Center For Human Genetics Tuebingen Variant Classification Criteria Version 2. Collection method: clinical testing. Allele origin: germline. Affected: yes. Observed: 1 variant allele.

Eurofins Ntd Llc (ga)
Classification: Uncertain significance. Last evaluated: 2015-10-14. Review status: criteria provided, single submitter. Criteria: EGL Classification Definitions 2015. Collection method: clinical testing. Allele origin: germline. Observed: 1 variant allele, 1 heterozygote.

Center for Genomics, Ann and Robert H. Lurie Children's Hospital of Chicago
Classification: Uncertain significance for Megacystis-microcolon-intestinal hypoperistalsis syndrome 2; Aortic aneurysm, familial thoracic 4; Visceral myopathy 2. Review status: criteria provided, single submitter. Criteria: ACMG Guidelines, 2015. Collection method: clinical testing. Allele origin: germline.
Comment: the same text as in the submission from Center for Genomics, Ann and Robert H. Lurie Children's Hospital of Chicago above.

PreventionGenetics, part of Exact Sciences
Classification: Likely benign. Review status: criteria provided, single submitter. Criteria: ACMG Guidelines, 2015. Collection method: clinical testing. Allele origin: germline.

NM_002474.3(MYH11):c.3897C>T (p.Ala1299=)

Genes: MYH11 (myosin heavy chain 11; minus strand), NDE1 (nudE neurodevelopment protein 1; plus strand). Cytogenetic location: 16p13.11.
Variant type: single nucleotide variant.
Coding change: c.3897C>T on transcript NM_002474.3 (MANE Select); coding-DNA position 3897, C replaced by T.
Protein change: p.Ala1299=; no amino-acid change (alanine 1299 retained).
Molecular consequence: synonymous variant. On other transcripts: 3 prime UTR variant (2).
Genome position (GRCh38, 1-based): chr16:15,724,954, G>A on the plus strand (C>T on the coding strand, the complement: MYH11 is on the minus strand). VCF-style: chr16-15724954-G-A. GRCh37 (hg19) VCF-style: chr16-15818811-G-A.
Other names: c.3918C>T, p.Ala1306= (NM_001040113.2, NM_001040114.2); c.3897C>T, p.Ala1299= (NM_022844.3); c.*703G>A (NM_001143979.2, NM_017668.3).
Identifiers: ClinVar variation 257258 (VCV000257258.69), dbSNP rs190546350, ClinGen allele CA7921842.